The following is an entry in ClinVar:

ClinVar aggregate classification (germline): Uncertain significance (1 of 4 stars; one submission).

Allele frequency attached by ClinVar (database versions not stated): TOPMed 0.00003.
gnomAD v4.1: 6 of 150,434 alleles (0.004%); highest among the groups gnomAD compares: East Asian, 0.019%; no homozygotes.

Submission:

GeneDx
Classification: Uncertain significance. Last evaluated: 2016-09-01. Review status: criteria provided, single submitter. Criteria: GeneDx Variant Classification (06012015). Collection method: clinical testing. Allele origin: germline. Affected: yes.
Comment: This variant is denoted AXIN2 c.-128C>T and describes a nucleotide substitution 128 base pairs upstream of the ATG translational start site in the 5' untranslated region (UTR). The surrounding sequence, with the base that is substituted in braces, is GGCC[C/T]TGCT. This variant has not, to our knowledge, been published in the literature as pathogenic or benign. This variant does not appear to affect the start codon or the Kozak translational consensus sequence. The cytosine (C) nucleotide that is altered is conserved in mammals. AXIN2 c.-128C>T occurs at a position that is not covered in the NHLBI Exome Sequencing Project. Based on currently available evidence, it is unclear whether AXIN2 c.-128C>T is a pathogenic or benign variant. We consider it to be a variant of uncertain significance.

NM_004655.4(AXIN2):c.-128C>T

Gene: AXIN2 (axin 2; minus strand). Cytogenetic location: 17q24.1.
Variant type: single nucleotide variant.
Coding change: c.-128C>T on transcript NM_004655.4 (MANE Select); 128 bases upstream of the start codon, C replaced by T.
Molecular consequence: 5 prime UTR variant.
Genome position (GRCh38, 1-based): chr17:65,561,461, G>A on the plus strand (C>T on the coding strand, the complement: AXIN2 is on the minus strand). VCF-style: chr17-65561461-G-A. GRCh37 (hg19) VCF-style: chr17-63557579-G-A.
Other names: c.-128C>T (LRG_296t1, NM_001363813.1).
Identifiers: ClinVar variation 422128 (VCV000422128.2), dbSNP rs876661104, ClinGen allele CA16620582.
Genomic context (GRCh38, chr17:65,561,461, plus strand): 5'-GGGGGCTTTCTTTGAAGCGGCTCCGCTGGGGCCGAGCTTCCACCCCCACCTTTTACAGCA[G>A]GGCCTTCGGCGGGCGCCTCGGCCGCCGGGCGGCCCCGAAATCCATCGCTCTGAGGGGTTA-3'